The following is an entry in ClinVar:

NM_005120.3(MED12):c.5954T>A (p.Val1985Glu)

Gene: MED12 (mediator complex subunit 12; plus strand). Cytogenetic location: Xq13.1.
Variant type: single nucleotide variant.
Coding change: c.5954T>A on transcript NM_005120.3 (MANE Select); coding-DNA position 5954, T replaced by A.
Protein change: p.Val1985Glu; replaces valine 1985 with glutamic acid.
Molecular consequence: missense variant.
Genome position (GRCh38, 1-based): chrX:71,137,853, T>A. VCF-style: chrX-71137853-T-A. GRCh37 (hg19) VCF-style: chrX-70357703-T-A.
Other names: short protein forms V1985E.
Identifiers: ClinVar variation 4801086 (VCV004801086.1).

ClinVar aggregate classification (germline): Uncertain significance (1 of 4 stars; one submission).

Conditions:
FG syndrome (FGS). Identifiers: MedGen C0220769, MONDO:0002010.

Submission:

Labcorp Genetics (formerly Invitae), Labcorp
Classification: Uncertain significance for FG syndrome. Last evaluated: 2025-10-18. Review status: criteria provided, single submitter. Criteria: Invitae Variant Classification Sherloc (09022015). Collection method: clinical testing. Allele origin: germline.
Comment: This sequence change replaces valine, which is neutral and non-polar, with glutamic acid, which is acidic and polar, at codon 1985 of the MED12 protein (p.Val1985Glu). This variant is not present in population databases (gnomAD no frequency). This variant has not been reported in the literature in individuals affected with MED12-related conditions. Invitae Evidence Modeling of protein sequence and biophysical properties (such as structural, functional, and spatial information, amino acid conservation, physicochemical variation, residue mobility, and thermodynamic stability) has been performed for this missense variant. However, the output from this modeling did not meet the statistical confidence thresholds required to predict the impact of this variant on MED12 protein function. In summary, the available evidence is currently insufficient to determine the role of this variant in disease. Therefore, it has been classified as a Variant of Uncertain Significance.